The following is an entry in ClinVar:

ClinVar aggregate classification (germline): Pathogenic (1 of 4 stars; one submission).

Conditions:
Peroxisome biogenesis disorder 2B (PBD2B). Identifiers: Orphanet 44, MedGen C3550234, MONDO:0008736, OMIM 202370.

Submission:

Labcorp Genetics (formerly Invitae), Labcorp
Classification: Pathogenic for Peroxisome biogenesis disorder 2B. Last evaluated: 2023-09-01. Review status: criteria provided, single submitter. Criteria: Invitae Variant Classification Sherloc (09022015). Collection method: clinical testing. Allele origin: germline.
Comment: Algorithms developed to predict the effect of sequence changes on RNA splicing suggest that this variant may disrupt the consensus splice site. For these reasons, this variant has been classified as Pathogenic. This variant has not been reported in the literature in individuals affected with PEX5-related conditions. This variant is not present in population databases (gnomAD no frequency). This sequence change creates a premature translational stop signal (p.Glu10Aspfs*9) in the PEX5 gene. It is expected to result in an absent or disrupted protein product. Loss-of-function variants in PEX5 are known to be pathogenic (PMID: 18712838, 21031596).

Literature cited by the submitters: PubMed 18712838; PubMed 21031596.

NM_001351132.2(PEX5):c.30del (p.Glu10fs)

Gene: PEX5 (peroxisomal biogenesis factor 5; plus strand). Cytogenetic location: 12p13.31.
Variant type: Deletion.
Coding change: c.30del on transcript NM_001351132.2 (MANE Select); coding-DNA position 30, one base deleted (A; older notation c.30delA).
Protein change: p.Glu10fs; shifts the reading frame from glutamic acid 10.
Molecular consequence: frameshift variant.
Genome position (GRCh38, 1-based): chr12:7,190,407, A deleted; the last of 2 consecutive A bases (chr12:7,190,406-7,190,407); deleting either gives the same sequence. VCF-style (leftmost placement, unchanged base first): chr12-7190405-GA-G. GRCh37 (hg19) VCF-style: chr12-7343001-GA-G.
Other names: c.30del, p.Glu10fs (NM_000319.5, NM_001131023.2, NM_001131024.2 and 22 more transcripts); short protein forms E10fs.
Identifiers: ClinVar variation 2757117 (VCV002757117.3), dbSNP rs2539797147, ClinGen allele CA2697559084.
Genomic context (GRCh38, chr12:7,190,405, plus strand): 5'-CCTCCTGTGTCCATCAGAGAGCTGGCGGTCACCATGGCAATGCGGGAGCTGGTGGAGGCC[GA>G]ATGCGGGGGTGCCAACCCGCTCATGAAGCTCGCCGGGCACTTCACCCAGGACAAGGCCCT-3'